The following is an entry in ClinVar:

NC_000011.9:g.(?_71152249)_(71153318_?)del

Gene: DHCR7 (7-dehydrocholesterol reductase; minus strand). Cytogenetic location: 11q13.4.
Variant type: Deletion.
Identifiers: ClinVar variation 2424134 (VCV002424134.4).

ClinVar aggregate classification (germline): Pathogenic (1 of 4 stars; one submission).

Conditions:
Smith-Lemli-Opitz syndrome (SLOS). Also called: 7-Dehydrocholesterol reductase deficiency; LETHAL ACRODYSGENITAL SYNDROME; POLYDACTYLY, SEX REVERSAL, RENAL HYPOPLASIA, AND UNILOBAR LUNG; RSH SYNDROME; RUTLEDGE LETHAL MULTIPLE CONGENITAL ANOMALY SYNDROME. Identifiers: Orphanet 818, MedGen C0175694, MONDO:0010035, OMIM 270400.

Submission:

Labcorp Genetics (formerly Invitae), Labcorp
Classification: Pathogenic for Smith-Lemli-Opitz syndrome. Last evaluated: 2022-01-03. Review status: criteria provided, single submitter. Criteria: Invitae Variant Classification Sherloc (09022015). Collection method: clinical testing. Allele origin: germline.
Comment: For these reasons, this variant has been classified as Pathogenic. This variant disrupts a region of the DHCR7 protein in which other variant(s) (p.Thr154Met) have been determined to be pathogenic (PMID: 10677299, 10995508, 11427181, 15896653, 18249054, 22391996). This suggests that this is a clinically significant region of the protein, and that variants that disrupt it are likely to be disease-causing. This variant has not been reported in the literature in individuals affected with DHCR7-related conditions. This variant results in the deletion of exon 6 and part of exon 5 (c.403_626+24del) of the DHCR7 gene. It is expected to disrupt RNA splicing. Variants that disrupt the donor or acceptor splice site typically lead to a loss of protein function (PMID: 16199547), and loss-of-function variants in DHCR7 are known to be pathogenic (PMID: 9634533, 10677299).

Literature cited by the submitters: PubMed 10677299; PubMed 10995508; PubMed 11427181; PubMed 15896653; PubMed 18249054; PubMed 22391996; PubMed 16199547; PubMed 9634533.